The following is an entry in ClinVar:

NM_207371.4(SKIDA1):c.675CGC[7] (p.Ala244del)

Gene: SKIDA1 (SKI/DACH domain containing 1; minus strand). Cytogenetic location: 10p12.31.
Variant type: Microsatellite.
Coding change: c.675CGC[7] on transcript NM_207371.4 (MANE Select); seven copies in a row of the 3-base unit CGC starting at c.675; the reference has eight copies in a row; one copy, 3 bases deleted.
Protein change: p.Ala244del; deletes alanine 244.
Genome position (GRCh38, 1-based): chr10:21,517,125-21,517,127, GCG deleted on the plus strand (CGC on the coding strand, the reverse complement: SKIDA1 is on the minus strand); deleting any 3 consecutive bases within chr10:21,517,125-21,517,150 gives the same sequence; the position shown is the placement nearest the transcript's 3' end. VCF-style (leftmost placement, unchanged base first): chr10-21517124-AGCG-A. GRCh37 (hg19) VCF-style: chr10-21806053-AGCG-A.
Other names: short protein forms A244del.
Identifiers: ClinVar variation 3055723 (VCV003055723.2), dbSNP rs754621872, ClinGen allele CA5434204.

ClinVar aggregate classification (germline): Likely benign (0 of 4 stars; one submission).

Conditions:
SKIDA1-related disorder. Also called: SKIDA1-related condition.

Submission:

PreventionGenetics, part of Exact Sciences
Classification: Likely benign for SKIDA1-related condition. Last evaluated: 2022-01-26. Review status: no assertion criteria provided. Collection method: clinical testing. Allele origin: germline.
Comment: This variant is classified as likely benign based on ACMG/AMP sequence variant interpretation guidelines (Richards et al. 2015 PMID: 25741868, with internal and published modifications).